The following is an entry in ClinVar:

ClinVar aggregate classification (germline): Likely benign (1 of 4 stars; one submission).

Conditions:
Breast-ovarian cancer, familial, susceptibility to, 1 (BROVCA1). Also called: BRCA1 Hereditary Breast and Ovarian Cancer; OVARIAN CANCER, SUSCEPTIBILITY TO. Identifiers: Orphanet 145, MedGen C2676676, MONDO:0011450, OMIM 604370. Disease mechanism: loss of function.

gnomAD v4.1: 1 of 1,611,944 alleles (0.000062%); highest among the groups gnomAD compares: South Asian, 0.0011%; no homozygotes.

Submissions (2):

Cancer Bioinformatics and Tumour Evolution Laboratory, Monash University
Classification: Likely benign for Breast-ovarian cancer, familial, susceptibility to, 1. Last evaluated: 2026-05-01. Review status: criteria provided, single submitter. Criteria: ClinGen BRCA1 and BRCA2 Guidelines, 2024. Collection method: curation. Allele origin: germline. Inheritance: Autosomal dominant inheritance.
Comment: PMID: 39281752 - A large scale study to determine the case-control LR of BRCA1 and BRCA2 variants. The data was consolidated in the ccLR browser. This variant was found in the browser with a LR of 0.14587122 which is in the moderate benign range (0.o5-0.23) according to the BRCA1 and BRCA2 VCEP. Hence, BP5_moderate is applied. Variant is in the functional domain (BRCT domain). bayesDel score is 0.394459. Hence, PP3 is applied. PMID: 30209399 - SGE on haploid human HAP1 cells followed by HDR assay. This variant (c.5060T>C; p.Val1687Ala) was found to be functional. Hence, BS3 is applied. To resolve contracdictory evidence, the points system recommended by the BRCA1 and BRCA2 VCEP is applied. +1 point for path_supp, -4 points for benign_strong and -2 for benign_moderate. This adds up to -5, which falls within LIKELY BENIGN range.

Brotman Baty Institute, University of Washington
No classification provided (evidence only). Condition: Breast-ovarian cancer, familial 1. Review status: no classification provided. Collection method: in vitro. Allele origin: not applicable. Functional consequence: functionally_normal. Not counted in ClinVar's aggregate classification.
ClinVar note: "not provided" was previously submitted as the classification for the variant. However, the classification appeared to be based only on an observation of functional data so it was converted to no classification on 2025-07-30.

Literature cited by the submitters: PubMed 30209399 (cited by Cancer Bioinformatics and Tumour Evolution Laboratory, Monash University); PubMed 39281752 (cited by Cancer Bioinformatics and Tumour Evolution Laboratory, Monash University).

NM_007294.4(BRCA1):c.5060T>C (p.Val1687Ala)

Gene: BRCA1 (BRCA1 DNA repair associated; minus strand). Cytogenetic location: 17q21.31.
Variant type: single nucleotide variant.
Coding change: c.5060T>C on transcript NM_007294.4 (MANE Select); coding-DNA position 5060, T replaced by C.
Protein change: p.Val1687Ala; replaces valine 1687 with alanine.
Molecular consequence: missense variant. On other transcripts: non-coding transcript variant (1).
Genome position (GRCh38, 1-based): chr17:43,067,622, A>G on the plus strand (T>C on the coding strand, the complement: BRCA1 is on the minus strand). VCF-style: chr17-43067622-A-G. GRCh37 (hg19) VCF-style: chr17-41219639-A-G.
Other names: c.4847T>C, p.Val1616Ala (NM_001407571.1, NM_001407899.1, NM_001407900.1 and 12 more transcripts); c.5126T>C, p.Val1709Ala (NM_001407581.1, NM_001407582.1); c.5123T>C, p.Val1708Ala (NM_001407583.1, NM_001407585.1, NM_001407587.1 and 1 more transcripts); c.5120T>C, p.Val1707Ala (NM_001407590.1, NM_001407591.1); c.5060T>C, p.Val1687Ala (NM_001407593.1, NM_001407594.1, NM_001407596.1 and 8 more transcripts); c.5057T>C, p.Val1686Ala (NM_001407610.1, NM_001407611.1, NM_001407612.1 and 17 more transcripts); c.5054T>C, p.Val1685Ala (NM_001407628.1, NM_001407629.1, NM_001407630.1 and 14 more transcripts); c.5003T>C, p.Val1668Ala (NM_001407648.1); and 70 more; short protein forms V1687A, V1640A, V1708A, V583A, V1533A, V1559A, V1574A, V1638A.
Identifiers: ClinVar variation 868577 (VCV000868577.4), dbSNP rs1555579627, ClinGen allele CA10591399.